The following is an entry in ClinVar:

ClinVar aggregate classification (germline): Uncertain significance (1 of 4 stars; one submission).

Conditions:
Hereditary cancer-predisposing syndrome. Also called: Neoplastic Syndromes, Hereditary; Tumor predisposition; Hereditary neoplastic syndrome; Hereditary Cancer Syndrome. Identifiers: Orphanet 140162, MedGen C0027672, MeSH D009386, MONDO:0015356.

gnomAD v4.1: 1 of 1,614,104 alleles (0.000062%); highest among the groups gnomAD compares: Non-Finnish European, 0.000085%; no homozygotes.

Submission:

Ambry Genetics
Classification: Uncertain significance for Hereditary cancer-predisposing syndrome. Last evaluated: 2026-08-09. Review status: criteria provided, single submitter. Criteria: Ambry Variant Classification Scheme 2023. Collection method: clinical testing. Allele origin: germline.
Comment: The p.H209R variant (also known as c.626A>G), located in coding exon 5 of the SUFU gene, results from an A to G substitution at nucleotide position 626. The histidine at codon 209 is replaced by arginine, an amino acid with highly similar properties. This amino acid position is conserved. In addition, the in silico prediction for this alteration is inconclusive. Based on the available evidence, the clinical significance of this variant remains unclear.

NM_016169.4(SUFU):c.626A>G (p.His209Arg)

Gene: SUFU (SUFU negative regulator of hedgehog signaling; plus strand). Cytogenetic location: 10q24.32.
Variant type: single nucleotide variant.
Coding change: c.626A>G on transcript NM_016169.4 (MANE Select); coding-DNA position 626, A replaced by G.
Protein change: p.His209Arg; replaces histidine 209 with arginine.
Molecular consequence: missense variant.
Genome position (GRCh38, 1-based): chr10:102,593,664, A>G. VCF-style: chr10-102593664-A-G. GRCh37 (hg19) VCF-style: chr10-104353421-A-G.
Other names: c.626A>G, p.His209Arg (NM_001178133.2); short protein forms H209R.
Identifiers: ClinVar variation 5030440 (VCV005030440.1).